The following is an entry in ClinVar:

ClinVar aggregate classification (germline): Likely pathogenic (0 of 4 stars; one submission).

Conditions:
Global developmental delay (DD). Also called: Cognitive delay. Identifiers: MedGen C0557874, HP:0001263. Disease mechanism: loss of function.
Seizure. Also called: Seizures. Identifiers: MedGen C0036572, HP:0001250.
Cognitive impairment. Also called: cognitive deficit. Identifiers: MedGen C0338656, HP:0100543.

Allele frequency attached by ClinVar (database versions not stated): gnomAD 0.00001 and 0.00003; ExAC 0.00002; gnomAD exomes 0.00004; TOPMed 0.00005; 1000 Genomes Project 30x 0.00016.
gnomAD v4.1: 13 of 1,612,654 alleles (0.00081%); highest among the groups gnomAD compares: East Asian, 0.029%; no homozygotes.

Submission:

Wainwright Lab, University Of Queensland
Classification: Likely pathogenic for Cognitive impairment; Seizure; Global developmental delay. Review status: no assertion criteria provided. Collection method: clinical testing. Allele origin: germline. Inheritance: Autosomal recessive inheritance. Affected: yes. Observed: 1 compound heterozygote.

NM_019040.5(ELP4):c.886C>A (p.Leu296Ile)

Gene: ELP4 (elongator acetyltransferase complex subunit 4; plus strand). Cytogenetic location: 11p13.
Variant type: single nucleotide variant.
Coding change: c.886C>A on transcript NM_019040.5 (MANE Select); coding-DNA position 886, C replaced by A.
Protein change: p.Leu296Ile; replaces leucine 296 with isoleucine.
Molecular consequence: missense variant.
Genome position (GRCh38, 1-based): chr11:31,632,364, C>A. VCF-style: chr11-31632364-C-A. GRCh37 (hg19) VCF-style: chr11-31653911-C-A.
Other names: c.889C>A, p.Leu297Ile (NM_001288725.2); c.886C>A, p.Leu296Ile (NM_001288726.2); short protein forms L296I, L297I.
Identifiers: ClinVar variation 1328941 (VCV001328941.3), dbSNP rs755762601, ClinGen allele CA5933395.
Genomic context (GRCh38, chr11:31,632,364, plus strand): 5'-GGCAACAGTCACAGCCTTACCAAGTTCCTCTATGTTCTCCGTGGTCTTCTGAGAACCTCT[C>A]TTTCAGCCTGCATCATCACAATGCCAACACATCTGATCCAGGTACGAAATTTCCAGAACT-3'
Protein context (NP_061913.3, residues 286-306): YVLRGLLRTS[Leu296Ile]SACIITMPTH